The following is an entry in ClinVar:

ClinVar aggregate classification (germline): Uncertain significance. Review status: criteria provided, multiple submitters, no conflicts (2 of 4 stars). 2 submissions from 2 submitters: Uncertain significance (2). Last evaluated 2024-04-15.

Conditions:
Lysinuric protein intolerance (LPI). Identifiers: Orphanet 470, MedGen C0268647, MONDO:0009109, OMIM 222700.

Allele frequency attached by ClinVar (database versions not stated): gnomAD exomes 0.00001; ExAC 0.00002; gnomAD 0.00007; ESP Exome Variant Server 0.00008; TOPMed 0.00010.

Submissions (2):

Labcorp Genetics (formerly Invitae), Labcorp
Classification: Uncertain significance for Lysinuric protein intolerance. Last evaluated: 2024-04-15. Review status: criteria provided, single submitter. Criteria: Invitae Variant Classification Sherloc (09022015). Collection method: clinical testing. Allele origin: germline.
Comment: This sequence change replaces glycine, which is neutral and non-polar, with aspartic acid, which is acidic and polar, at codon 202 of the SLC7A7 protein (p.Gly202Asp). This variant is present in population databases (rs144006676, gnomAD 0.02%). This variant has not been reported in the literature in individuals affected with SLC7A7-related conditions. ClinVar contains an entry for this variant (Variation ID: 2141419). An algorithm developed to predict the effect of missense changes on protein structure and function (PolyPhen-2) suggests that this variant is likely to be disruptive. In summary, the available evidence is currently insufficient to determine the role of this variant in disease. Therefore, it has been classified as a Variant of Uncertain Significance.

Fulgent Genetics
Classification: Uncertain significance for Lysinuric protein intolerance. Last evaluated: 2024-03-28. Review status: criteria provided, single submitter. Criteria: ACMG Guidelines, 2015. Collection method: clinical testing. Allele origin: germline.

NM_003982.4(SLC7A7):c.605G>A (p.Gly202Asp)

Gene: SLC7A7 (solute carrier family 7 member 7; minus strand). Cytogenetic location: 14q11.2.
Variant type: single nucleotide variant.
Coding change: c.605G>A on transcript NM_003982.4 (MANE Select); coding-DNA position 605, G replaced by A.
Protein change: p.Gly202Asp; replaces glycine 202 with aspartic acid.
Molecular consequence: missense variant.
Genome position (GRCh38, 1-based): chr14:22,779,946, C>T on the plus strand (G>A on the coding strand, the complement: SLC7A7 is on the minus strand). VCF-style: chr14-22779946-C-T. GRCh37 (hg19) VCF-style: chr14-23249155-C-T.
Other names: c.605G>A, p.Gly202Asp (NM_001126105.3, NM_001126106.4); short protein forms G202D.
Identifiers: ClinVar variation 2141419 (VCV002141419.3), dbSNP rs144006676, ClinGen allele CA7104657.
Genomic context (GRCh38, chr14:22,779,946, plus strand): 5'-TGCTTAAAAAAGATTAGTTGCTACTAATATTATTTCTTACCCTGGCCAAGTCTAACAATG[C>T]CTGCAACGATGACCGCGATCAGTGCCAATACTTTAGCATAGGTGAAAATATCTTGTACCA-3'
Protein context (NP_003973.3, residues 192-212): VLALIAVIVA[Gly202Asp]IVRLGQGAST